The following is an entry in ClinVar:

NM_007217.4(PDCD10):c.23_25del (p.Met8del)

Gene: PDCD10 (programmed cell death 10; minus strand). Cytogenetic location: 3q26.1.
Variant type: Deletion.
Coding change: c.23_25del on transcript NM_007217.4 (MANE Select); coding-DNA positions 23 to 25, 3 bases deleted (TGA; older notation c.23_25delTGA).
Protein change: p.Met8del; deletes methionine 8.
Molecular consequence: inframe deletion.
Genome position (GRCh38, 1-based): chr3:167,720,133-167,720,135, TCA deleted on the plus strand (TGA on the coding strand, the reverse complement: PDCD10 is on the minus strand); deleting any 3 consecutive bases within chr3:167,720,133-167,720,137 gives the same sequence; the c. name uses the placement nearest the transcript's 3' end. VCF-style (leftmost placement, unchanged base first): chr3-167720132-TTCA-T. GRCh37 (hg19) VCF-style: chr3-167437920-TTCA-T.
Other names: c.23_25del, p.Met8del (NM_001439202.1, NM_001439204.1, NM_001439205.1 and 2 more transcripts); short protein forms M8del.
Identifiers: ClinVar variation 4685133 (VCV004685133.1).

ClinVar aggregate classification (germline): Uncertain significance (1 of 4 stars; one submission).

Submission:

GeneDx
Classification: Uncertain significance. Last evaluated: 2025-07-07. Review status: criteria provided, single submitter. Criteria: GeneDx Variant Classification Process June 2021. Collection method: clinical testing. Allele origin: germline. Affected: yes.
Comment: Not observed at significant frequency in large population cohorts (gnomAD); In-frame deletion of 1 amino acid(s) in a non-repeat region; In silico analysis supports a deleterious effect on protein structure/function; Has not been previously published as pathogenic or benign to our knowledge